The following is an entry in ClinVar:

ClinVar aggregate classification (germline): Uncertain significance (1 of 4 stars; one submission).

Submission:

Labcorp Genetics (formerly Invitae), Labcorp
Classification: Uncertain significance. Last evaluated: 2023-08-04. Review status: criteria provided, single submitter. Criteria: Invitae Variant Classification Sherloc (09022015). Collection method: clinical testing. Allele origin: germline.
Comment: Variants that disrupt the consensus splice site are a relatively common cause of aberrant splicing (PMID: 17576681, 9536098). Algorithms developed to predict the effect of sequence changes on RNA splicing suggest that this variant is not likely to affect RNA splicing. In summary, the available evidence is currently insufficient to determine the role of this variant in disease. Therefore, it has been classified as a Variant of Uncertain Significance. ClinVar contains an entry for this variant (Variation ID: 2098353). This sequence change falls in intron 30 of the ANK3 gene. It does not directly change the encoded amino acid sequence of the ANK3 protein. It affects a nucleotide within the consensus splice site. This variant is not present in population databases (gnomAD no frequency). This variant has not been reported in the literature in individuals affected with ANK3-related conditions.

Literature cited by the submitters: PubMed 17576681; PubMed 9536098.

NM_020987.5(ANK3):c.3748+6G>C

Gene: ANK3 (ankyrin 3; minus strand). Cytogenetic location: 10q21.2.
Variant type: single nucleotide variant.
Coding change: c.3748+6G>C on transcript NM_020987.5 (MANE Select); 6 bases into the intron after coding-DNA position 3748, G replaced by C.
Molecular consequence: intron variant.
Genome position (GRCh38, 1-based): chr10:60,086,671, C>G on the plus strand (G>C on the coding strand, the complement: ANK3 is on the minus strand). VCF-style: chr10-60086671-C-G. GRCh37 (hg19) VCF-style: chr10-61846429-C-G.
Other names: c.3730+6G>C (NM_001204403.2); c.3751+6G>C (NM_001204404.2); c.3748+6G>C (NM_001320874.2); c.1150+6G>C (NM_001149.4).
Identifiers: ClinVar variation 2098353 (VCV002098353.4), dbSNP rs759809728, ClinGen allele CA1913757661.